The following is an entry in ClinVar:

NM_004371.4(COPA):c.1203C>A (p.Asp401Glu)

Gene: COPA (coat protein complex I subunit alpha; minus strand). Cytogenetic location: 1q23.2.
Variant type: single nucleotide variant.
Coding change: c.1203C>A on transcript NM_004371.4 (MANE Select); coding-DNA position 1203, C replaced by A.
Protein change: p.Asp401Glu; replaces aspartic acid 401 with glutamic acid.
Molecular consequence: missense variant.
Genome position (GRCh38, 1-based): chr1:160,309,117, G>T on the plus strand (C>A on the coding strand, the complement: COPA is on the minus strand). VCF-style: chr1-160309117-G-T. GRCh37 (hg19) VCF-style: chr1-160278907-G-T.
Other names: c.1203C>A, p.Asp401Glu (NM_001098398.2); short protein forms D401E.
Identifiers: ClinVar variation 2195486 (VCV002195486.4), dbSNP rs2525396663, ClinGen allele CA343258317.

ClinVar aggregate classification (germline): Uncertain significance (1 of 4 stars; one submission).

Conditions:
Autoimmune interstitial lung disease-arthritis syndrome. Also called: Autoinflammation and autoimmunity, systemic, with immune dysregulation. Identifiers: Orphanet 444092, MedGen C5975714, MONDO:0014629.

Submission:

Labcorp Genetics (formerly Invitae), Labcorp
Classification: Uncertain significance for Autoimmune interstitial lung disease-arthritis syndrome. Last evaluated: 2022-04-20. Review status: criteria provided, single submitter. Criteria: Invitae Variant Classification Sherloc (09022015). Collection method: clinical testing. Allele origin: germline.
Comment: In summary, the available evidence is currently insufficient to determine the role of this variant in disease. Therefore, it has been classified as a Variant of Uncertain Significance. Advanced modeling of protein sequence and biophysical properties (such as structural, functional, and spatial information, amino acid conservation, physicochemical variation, residue mobility, and thermodynamic stability) performed at Invitae indicates that this missense variant is not expected to disrupt COPA protein function. This variant has not been reported in the literature in individuals affected with COPA-related conditions. This variant is not present in population databases (gnomAD no frequency). This sequence change replaces aspartic acid, which is acidic and polar, with glutamic acid, which is acidic and polar, at codon 401 of the COPA protein (p.Asp401Glu).